The following is an entry in ClinVar:

ClinVar aggregate classification (germline): Uncertain significance (1 of 4 stars; one submission).

Conditions:
Cardiovascular phenotype. Identifiers: MedGen CN230736.

Allele frequency attached by ClinVar (database versions not stated): gnomAD 0.00001; gnomAD exomes 0.00001.
gnomAD v4.1: 10 of 1,613,698 alleles (0.00062%); highest among the groups gnomAD compares: Non-Finnish European, 0.00076%; no homozygotes.

Submission:

Ambry Genetics
Classification: Uncertain significance for Cardiovascular phenotype. Last evaluated: 2024-01-30. Review status: criteria provided, single submitter. Criteria: Ambry Variant Classification Scheme 2023. Collection method: clinical testing. Allele origin: germline.
Comment: The p.T901A variant (also known as c.2701A>G), located in coding exon 22 of the ABCC9 gene, results from an A to G substitution at nucleotide position 2701. The threonine at codon 901 is replaced by alanine, an amino acid with similar properties. This amino acid position is well conserved in available vertebrate species. In addition, this alteration is predicted to be tolerated by in silico analysis. Based on the available evidence, the clinical significance of this alteration remains unclear.

NM_020297.4(ABCC9):c.2701A>G (p.Thr901Ala)

Gene: ABCC9 (ATP binding cassette subfamily C member 9; minus strand). Cytogenetic location: 12p12.1.
Variant type: single nucleotide variant.
Coding change: c.2701A>G on transcript NM_020297.4 (MANE Select); coding-DNA position 2701, A replaced by G.
Protein change: p.Thr901Ala; replaces threonine 901 with alanine.
Molecular consequence: missense variant.
Genome position (GRCh38, 1-based): chr12:21,852,165, T>C on the plus strand (A>G on the coding strand, the complement: ABCC9 is on the minus strand). VCF-style: chr12-21852165-T-C. GRCh37 (hg19) VCF-style: chr12-22005099-T-C.
Other names: c.2701A>G, p.Thr901Ala (NM_001377273.1, NM_005691.4); c.1834A>G, p.Thr612Ala (NM_001377274.1); short protein forms T612A, T901A.
Identifiers: ClinVar variation 3224920 (VCV003224920.1), dbSNP rs372063844, ClinGen allele CA384123881.